The following is an entry in ClinVar:

ClinVar aggregate classification (germline): Likely benign (1 of 4 stars; one submission).

Allele frequency attached by ClinVar (database versions not stated): 1000 Genomes Project 30x 0.00187; 1000 Genomes Project 0.00220; ESP Exome Variant Server 0.00523; TOPMed 0.00566; gnomAD 0.00573; ExAC 0.00604; gnomAD exomes 0.00794.
gnomAD v4.1: 12,483 of 1,606,054 alleles (0.78%); highest among the groups gnomAD compares: Middle Eastern, 3.9%; 82 homozygotes.

Submission:

CeGaT Center for Human Genetics Tuebingen
Classification: Likely benign. Last evaluated: 2023-01-01. Review status: criteria provided, single submitter. Criteria: CeGaT Center For Human Genetics Tuebingen Variant Classification Criteria Version 2. Collection method: clinical testing. Allele origin: germline. Affected: yes. Observed: 1 variant allele.
Comment: ZNF304: BP4, BP7, BS2

NM_020657.4(ZNF304):c.1119C>T (p.Ser373=)

Gene: ZNF304 (zinc finger protein 304; plus strand). Cytogenetic location: 19q13.43.
Variant type: single nucleotide variant.
Coding change: c.1119C>T on transcript NM_020657.4 (MANE Select); coding-DNA position 1119, C replaced by T.
Protein change: p.Ser373=; no amino-acid change (serine 373 retained).
Molecular consequence: synonymous variant.
Genome position (GRCh38, 1-based): chr19:57,356,988, C>T. VCF-style: chr19-57356988-C-T. GRCh37 (hg19) VCF-style: chr19-57868356-C-T.
Other names: c.1260C>T, p.Ser420= (NM_001290318.2); c.993C>T, p.Ser331= (NM_001290319.2); c.843C>T, p.Ser281= (NM_001329456.2).
Identifiers: ClinVar variation 2650569 (VCV002650569.24), dbSNP rs148833230, ClinGen allele CA9697531.